The following is an entry in ClinVar:

NM_021629.4(GNB4):c.491C>G (p.Thr164Arg)

Gene: GNB4 (G protein subunit beta 4; minus strand). Cytogenetic location: 3q26.33.
Variant type: single nucleotide variant.
Coding change: c.491C>G on transcript NM_021629.4 (MANE Select); coding-DNA position 491, C replaced by G.
Protein change: p.Thr164Arg; replaces threonine 164 with arginine.
Molecular consequence: missense variant.
Genome position (GRCh38, 1-based): chr3:179,413,721, G>C on the plus strand (C>G on the coding strand, the complement: GNB4 is on the minus strand). VCF-style: chr3-179413721-G-C. GRCh37 (hg19) VCF-style: chr3-179131509-G-C.
Other names: short protein forms T164R.
Identifiers: ClinVar variation 3685629 (VCV003685629.2).
Genomic context (GRCh38, chr3:179,413,721, plus strand): 5'-GTTCCTGCTACCACCCTCAAACCCATAATCAGTGTGCTTCTGGAATAAACTTACCAAGTT[G>C]TATCTCCTGAACTTGTAACAATTTGGCTGTCATCTAAAAAACGACAGCAGGACAAGTACC-3'
Protein context (NP_067642.1, residues 154-174): DSQIVTSSGD[Thr164Arg]TCALWDIETA

ClinVar aggregate classification (germline): Uncertain significance (1 of 4 stars; one submission).

Conditions:
Charcot-Marie-Tooth disease dominant intermediate F. Identifiers: Orphanet 352670, MedGen C4749463, MONDO:0014074, OMIM 615185.

gnomAD v4.1: 2 of 1,607,304 alleles (0.00012%); highest among the groups gnomAD compares: Non-Finnish European, 0.00017%; no homozygotes.

Submission:

Labcorp Genetics (formerly Invitae), Labcorp
Classification: Uncertain significance for Charcot-Marie-Tooth disease dominant intermediate F. Last evaluated: 2024-07-11. Review status: criteria provided, single submitter. Criteria: Invitae Variant Classification Sherloc (09022015). Collection method: clinical testing. Allele origin: germline.
Comment: This sequence change replaces threonine, which is neutral and polar, with arginine, which is basic and polar, at codon 164 of the GNB4 protein (p.Thr164Arg). This variant is present in population databases (no rsID available, gnomAD 0.003%). This variant has not been reported in the literature in individuals affected with GNB4-related conditions. Advanced modeling of protein sequence and biophysical properties (such as structural, functional, and spatial information, amino acid conservation, physicochemical variation, residue mobility, and thermodynamic stability) performed at Invitae indicates that this missense variant is not expected to disrupt GNB4 protein function with a negative predictive value of 80%. In summary, the available evidence is currently insufficient to determine the role of this variant in disease. Therefore, it has been classified as a Variant of Uncertain Significance.